The following is an entry in ClinVar:

ClinVar aggregate classification (germline): Uncertain significance (1 of 4 stars; one submission).

Allele frequency attached by ClinVar (database versions not stated): gnomAD 0.00001; ExAC 0.00002; gnomAD exomes 0.00002; TOPMed 0.00002; 1000 Genomes Project 0.00020; 1000 Genomes Project 30x 0.00031.
gnomAD v4.1: 8 of 1,614,200 alleles (0.0005%); highest among the groups gnomAD compares: Admixed American, 0.01%; no homozygotes.

Submission:

Labcorp Genetics (formerly Invitae), Labcorp
Classification: Uncertain significance. Last evaluated: 2022-08-16. Review status: criteria provided, single submitter. Criteria: Invitae Variant Classification Sherloc (09022015). Collection method: clinical testing. Allele origin: germline.
Comment: This sequence change replaces glutamic acid, which is acidic and polar, with aspartic acid, which is acidic and polar, at codon 1666 of the ABCA4 protein (p.Glu1666Asp). This variant is present in population databases (rs200443984, gnomAD 0.006%). This variant has not been reported in the literature in individuals affected with ABCA4-related conditions. ClinVar contains an entry for this variant (Variation ID: 1525392). Advanced modeling of protein sequence and biophysical properties (such as structural, functional, and spatial information, amino acid conservation, physicochemical variation, residue mobility, and thermodynamic stability) performed at Invitae indicates that this missense variant is not expected to disrupt ABCA4 protein function. In summary, the available evidence is currently insufficient to determine the role of this variant in disease. Therefore, it has been classified as a Variant of Uncertain Significance.

NM_000350.3(ABCA4):c.4998G>T (p.Glu1666Asp)

Genes: ABCA4 (ATP binding cassette subfamily A member 4; minus strand), LOC126805793 (CDK7 strongly-dependent group 2 enhancer GRCh37_chr1:94486302-94487501; plus strand). Cytogenetic location: 1p22.1.
Variant type: single nucleotide variant.
Coding change: c.4998G>T on transcript NM_000350.3 (MANE Select); coding-DNA position 4998, G replaced by T.
Protein change: p.Glu1666Asp; replaces glutamic acid 1666 with aspartic acid.
Molecular consequence: missense variant.
Genome position (GRCh38, 1-based): chr1:94,021,260, C>A on the plus strand (G>T on the coding strand, the complement: ABCA4 is on the minus strand). VCF-style: chr1-94021260-C-A. GRCh37 (hg19) VCF-style: chr1-94486816-C-A.
Other names: c.4776G>T, p.Glu1592Asp (NM_001425324.1); short protein forms E1666D, E1592D.
Identifiers: ClinVar variation 1525392 (VCV001525392.3), dbSNP rs200443984, ClinGen allele CA957414.